The following is an entry in ClinVar:

NM_017950.4(CCDC40):c.229G>A (p.Val77Met)

Gene: CCDC40 (coiled-coil domain 40 molecular ruler complex subunit; plus strand). Cytogenetic location: 17q25.3.
Variant type: single nucleotide variant.
Coding change: c.229G>A on transcript NM_017950.4 (MANE Select); coding-DNA position 229, G replaced by A.
Protein change: p.Val77Met; replaces valine 77 with methionine.
Molecular consequence: missense variant.
Genome position (GRCh38, 1-based): chr17:80,039,947, G>A. VCF-style: chr17-80039947-G-A. GRCh37 (hg19) VCF-style: chr17-78013746-G-A.
Other names: c.229G>A (NM_017950.3); c.229G>A, p.Val77Met (NM_001243342.2, NM_001330508.2); short protein forms V77M.
Identifiers: ClinVar variation 1970620 (VCV001970620.4), dbSNP rs1211134541, ClinGen allele CA401347576.

ClinVar aggregate classification (germline): Uncertain significance. Review status: criteria provided, multiple submitters, no conflicts (2 of 4 stars). 2 submissions from 2 submitters: Uncertain significance (2). Last evaluated 2026-07-04.

Conditions:
Primary ciliary dyskinesia. Also called: Ciliary dyskinesia. Identifiers: Orphanet 244, MedGen C0008780, MONDO:0016575, HP:0012265.

Allele frequency attached by ClinVar (database versions not stated): gnomAD exomes below 0.00001; gnomAD 0.00002; TOPMed 0.00005.
gnomAD v4.1: 4 of 1,613,578 alleles (0.00025%); highest among the groups gnomAD compares: African/African-American, 0.0053%; no homozygotes.

Submissions (2):

Ambry Genetics
Classification: Uncertain significance for Primary ciliary dyskinesia. Last evaluated: 2026-07-04. Review status: criteria provided, single submitter. Criteria: Ambry Variant Classification Scheme 2023. Collection method: clinical testing. Allele origin: germline.
Comment: The p.V77M variant (also known as c.229G>A), located in coding exon 3 of the CCDC40 gene, results from a G to A substitution at nucleotide position 229. The valine at codon 77 is replaced by methionine, an amino acid with highly similar properties. This amino acid position is conserved. In addition, this alteration is predicted to be tolerated by in silico analysis. Based on the available evidence, the clinical significance of this variant remains unclear.

Labcorp Genetics (formerly Invitae), Labcorp
Classification: Uncertain significance for Primary ciliary dyskinesia. Last evaluated: 2022-08-05. Review status: criteria provided, single submitter. Criteria: Invitae Variant Classification Sherloc (09022015). Collection method: clinical testing. Allele origin: germline.
Comment: In summary, the available evidence is currently insufficient to determine the role of this variant in disease. Therefore, it has been classified as a Variant of Uncertain Significance. Algorithms developed to predict the effect of missense changes on protein structure and function output the following: SIFT: "Tolerated"; PolyPhen-2: "Benign"; Align-GVGD: "Class C0". The methionine amino acid residue is found in multiple mammalian species, which suggests that this missense change does not adversely affect protein function. This variant has not been reported in the literature in individuals affected with CCDC40-related conditions. This variant is not present in population databases (gnomAD no frequency). This sequence change replaces valine, which is neutral and non-polar, with methionine, which is neutral and non-polar, at codon 77 of the CCDC40 protein (p.Val77Met).